The following is an entry in ClinVar:

NM_014874.4(MFN2):c.1458C>T (p.Ile486=)

Gene: MFN2 (mitofusin 2; plus strand). Cytogenetic location: 1p36.22.
Variant type: single nucleotide variant.
Coding change: c.1458C>T on transcript NM_014874.4 (MANE Select); coding-DNA position 1458, C replaced by T.
Protein change: p.Ile486=; no amino-acid change (isoleucine 486 retained).
Molecular consequence: synonymous variant.
Genome position (GRCh38, 1-based): chr1:12,004,890, C>T. VCF-style: chr1-12004890-C-T. GRCh37 (hg19) VCF-style: chr1-12064947-C-T.
Other names: c.1458C>T, p.Ile486= (NM_001127660.2).
Identifiers: ClinVar variation 3046310 (VCV003046310.2), dbSNP rs2523080525, ClinGen allele CA416110930.
Genomic context (GRCh38, chr1:12,004,890, plus strand): 5'-GCACCGCCACATAGAGGAAGGACTGGGTCGAAACATGTCTGACCGCTGCTCCACGGCCAT[C>T]ACCAACTCCCTGCAGACCATGCAGCAGGACATGATAGGTTAGTGCCCATGGGGAACTGGG-3'
Protein context (NP_055689.1, residues 476-496): RNMSDRCSTA[Ile486=]TNSLQTMQQD

ClinVar aggregate classification (germline): Likely benign (0 of 4 stars; one submission).

Conditions:
MFN2-related disorder. Also called: MFN2-related disorders; MFN2-related condition.

Allele frequency attached by ClinVar (database versions not stated): gnomAD exomes 0.00001.
gnomAD v4.1: 8 of 1,613,334 alleles (0.0005%); highest among the groups gnomAD compares: Non-Finnish European, 0.00068%; no homozygotes.

Submission:

PreventionGenetics, part of Exact Sciences
Classification: Likely benign for MFN2-related condition. Last evaluated: 2020-03-12. Review status: no assertion criteria provided. Collection method: clinical testing. Allele origin: germline.
Comment: This variant is classified as likely benign based on ACMG/AMP sequence variant interpretation guidelines (Richards et al. 2015 PMID: 25741868, with internal and published modifications).